The following is an entry in ClinVar:

NM_001257293.2(HNRNPH1):c.689G>C (p.Arg230Thr)

Genes: HNRNPH1 (heterogeneous nuclear ribonucleoprotein H1; minus strand), LOC128966623 (uncharacterized LOC128966623; plus strand). Cytogenetic location: 5q35.3.
Variant type: single nucleotide variant.
Coding change: c.689G>C on transcript NM_001257293.2 (MANE Select); coding-DNA position 689, G replaced by C.
Protein change: p.Arg230Thr; replaces arginine 230 with threonine.
Molecular consequence: missense variant. On other transcripts: intron variant (3).
Genome position (GRCh38, 1-based): chr5:179,618,171, C>G on the plus strand (G>C on the coding strand, the complement: HNRNPH1 is on the minus strand). VCF-style: chr5-179618171-C-G. GRCh37 (hg19) VCF-style: chr5-179045172-C-G.
Other names: c.689G>C, p.Arg230Thr (NM_001363572.2, NM_001364225.2, NM_001364226.2 and 36 more transcripts); c.533G>C, p.Arg178Thr (NM_001364250.2); c.86G>C, p.Arg29Thr (NM_001364251.2, NM_001364252.2, NM_001364253.2 and 4 more transcripts); c.458G>C, p.Arg153Thr (NM_001395190.1); c.398-260G>C (NM_001395193.1); c.398-111G>C (NM_001395191.1, NM_001395192.1); short protein forms R153T, R178T, R230T, R29T.
Identifiers: ClinVar variation 3364023 (VCV003364023.1).
Genomic context (GRCh38, chr5:179,618,171, plus strand): 5'-GACGACTTGCCGAACCTTACGAATCCTCACGTACCTCCACCATAAGCACCACGCCTCATC[C>G]TCTCAAAGCCAGCTCCTCTGCCAATGCTGTTATACCCTCTACCAGCCCCAGGTCTGTCAT-3'
Protein context (NP_001244222.1, residues 220-240): NSIGRGAGFE[Arg230Thr]MRRGAYGGGY

ClinVar aggregate classification (germline): Uncertain significance (1 of 4 stars; one submission).

Submission:

GeneDx
Classification: Uncertain significance. Last evaluated: 2023-11-22. Review status: criteria provided, single submitter. Criteria: GeneDx Variant Classification Process June 2021. Collection method: clinical testing. Allele origin: germline. Affected: yes.
Comment: Not observed at significant frequency in large population cohorts (gnomAD); In silico analysis supports that this missense variant does not alter protein structure/function; Has not been previously published as pathogenic or benign to our knowledge